The following is an entry in ClinVar:

ClinVar aggregate classification (germline): Benign. Review status: criteria provided, multiple submitters, no conflicts (2 of 4 stars). 3 submissions from 3 submitters: Benign (2). 1 of the submissions does not count toward it. Last evaluated 2018-06-26.

Allele frequency attached by ClinVar (database versions not stated): gnomAD 0.04697 and 0.04884; gnomAD exomes 0.04564 and 0.05403; TOPMed 0.04206; ExAC 0.04644; ESP Exome Variant Server 0.05025; 1000 Genomes Project 30x 0.02186; 1000 Genomes Project 0.02216.
gnomAD v4.1: 83,346 of 1,566,638 alleles (5.3%); highest among the groups gnomAD compares: Non-Finnish European, 6%; 2,561 homozygotes.

Submissions (3):

GeneDx
Classification: Benign. Last evaluated: 2018-06-26. Review status: criteria provided, single submitter. Criteria: GeneDx Variant Classification Process June 2021. Collection method: clinical testing. Allele origin: germline. Affected: yes.

Breakthrough Genomics
Classification: Benign. Review status: criteria provided, single submitter. Criteria: ACMG Guidelines, 2015. Collection method: not provided. Allele origin: germline. Inheritance: Autosomal recessive inheritance. Affected: yes.

Genetic Services Laboratory, University of Chicago
Classification: Likely benign. Review status: no assertion criteria provided. Collection method: clinical testing. Allele origin: germline. Inheritance: Autosomal recessive inheritance. Not counted in ClinVar's aggregate classification.
Comment: Likely benign based on allele frequency in 1000 Genomes Project or ESP global frequency and its presence in a patient with a rare or unrelated disease phenotype. NOT Sanger confirmed

NM_006031.6(PCNT):c.1937-44G>A

Gene: PCNT (pericentrin; plus strand). Cytogenetic location: 21q22.3.
Variant type: single nucleotide variant.
Coding change: c.1937-44G>A on transcript NM_006031.6 (MANE Select); 44 bases into the intron before coding-DNA position 1937, G replaced by A.
Molecular consequence: intron variant.
Genome position (GRCh38, 1-based): chr21:46,356,930, G>A. VCF-style: chr21-46356930-G-A. GRCh37 (hg19) VCF-style: chr21-47776845-G-A.
Other names: c.1583-44G>A (NM_001315529.2).
Identifiers: ClinVar variation 159568 (VCV000159568.9), dbSNP rs17297961, ClinGen allele CA172976.